The following is an entry in ClinVar:

NM_000384.3(APOB):c.9149C>T (p.Thr3050Ile)

Gene: APOB (apolipoprotein B; minus strand). Cytogenetic location: 2p24.1.
Variant type: single nucleotide variant.
Coding change: c.9149C>T on transcript NM_000384.3 (MANE Select); coding-DNA position 9149, C replaced by T.
Protein change: p.Thr3050Ile; replaces threonine 3050 with isoleucine.
Molecular consequence: missense variant.
Genome position (GRCh38, 1-based): chr2:21,007,719, G>A on the plus strand (C>T on the coding strand, the complement: APOB is on the minus strand). VCF-style: chr2-21007719-G-A. GRCh37 (hg19) VCF-style: chr2-21230591-G-A.
Other names: short protein forms T3050I.
Identifiers: ClinVar variation 2681973 (VCV002681973.3), dbSNP rs766404863, ClinGen allele CA345990940.

ClinVar aggregate classification (germline): Uncertain significance. Review status: criteria provided, multiple submitters, no conflicts (2 of 4 stars). 3 submissions from 3 submitters: Uncertain significance (3). Last evaluated 2026-02-14.

Conditions:
Familial hypobetalipoproteinemia 1. Also called: Hypobetalipoproteinemia, normotriglyceridemic; Acanthocytosis with hypobetalipoproteinemia; APOB-Related Familial Hypobetalipoproteinemia. Identifiers: MedGen C4551990, MONDO:0014252, OMIM 615558.
Hypercholesterolemia, autosomal dominant, type B (FHCL2). Also called: APOB-Related Familial Hypercholesterolemia, Autosomal Dominant; APOLIPOPROTEIN B-100, FAMILIAL DEFECTIVE; APOLIPOPROTEIN B-100, FAMILIAL LIGAND-DEFECTIVE; Familial Hypercholesterolemia Type B; Hyperlipoproteinemia Type IIb; HYPERCHOLESTEROLEMIA, FAMILIAL, DUE TO LIGAND-DEFECTIVE APOLIPOPROTEIN B. Identifiers: MedGen C1704417, MONDO:0007751, OMIM 144010.

Allele frequency attached by ClinVar (database versions not stated): gnomAD exomes below 0.00001; TOPMed below 0.00001.
gnomAD v4.1: 1 of 1,614,060 alleles (0.000062%); highest among the groups gnomAD compares: Non-Finnish European, 0.000085%; no homozygotes.

Submissions (3):

GeneDx
Classification: Uncertain significance. Last evaluated: 2026-02-14. Review status: criteria provided, single submitter. Criteria: GeneDx Variant Classification Process June 2021. Collection method: clinical testing. Allele origin: germline.
Comment: Not observed at significant frequency in large population cohorts (gnomAD); In silico analysis supports that this missense variant has a deleterious effect on protein structure/function; Has not been previously published as pathogenic or benign to our knowledge; Also known as p.(T3023I)

Labcorp Genetics (formerly Invitae), Labcorp
Classification: Uncertain significance for Familial hypobetalipoproteinemia 1; Hypercholesterolemia, autosomal dominant, type B. Last evaluated: 2025-04-01. Review status: criteria provided, single submitter. Criteria: Invitae Variant Classification Sherloc (09022015). Collection method: clinical testing. Allele origin: germline.
Comment: This sequence change replaces threonine, which is neutral and polar, with isoleucine, which is neutral and non-polar, at codon 3050 of the APOB protein (p.Thr3050Ile). This variant is not present in population databases (gnomAD no frequency). This variant has not been reported in the literature in individuals affected with APOB-related conditions. ClinVar contains an entry for this variant (Variation ID: 2681973). Invitae Evidence Modeling of protein sequence and biophysical properties (such as structural, functional, and spatial information, amino acid conservation, physicochemical variation, residue mobility, and thermodynamic stability) indicates that this missense variant is not expected to disrupt APOB protein function with a negative predictive value of 95%. In summary, the available evidence is currently insufficient to determine the role of this variant in disease. Therefore, it has been classified as a Variant of Uncertain Significance.

Quest Diagnostics Nichols Institute San Juan Capistrano
Classification: Uncertain significance. Last evaluated: 2023-03-27. Review status: criteria provided, single submitter. Criteria: Quest Diagnostics criteria. Collection method: clinical testing. Allele origin: unknown.
Comment: To the best of our knowledge, the variant has not been reported in the published literature. It also has not been reported in large, multi-ethnic general populations. Analysis of this variant using bioinformatics tools for the prediction of the effect of amino acid changes on protein structure and function yielded predictions that this variant is benign. Based on the available information, we are unable to determine the clinical significance of this variant.